The following is an entry in ClinVar:

ClinVar aggregate classification (germline): Uncertain significance. Review status: criteria provided, multiple submitters, no conflicts (2 of 4 stars). 3 submissions from 3 submitters: Uncertain significance (2). 1 of the submissions does not count toward it. Last evaluated 2025-01-31.

Conditions:
NOTCH2-related disorder. Also called: NOTCH2-related condition.
Alagille syndrome due to a NOTCH2 point mutation. Also called: Alagille syndrome 2. Identifiers: Orphanet 261629, Orphanet 52, MedGen C1857761, MONDO:0012439, OMIM 610205.
Hajdu-Cheney syndrome (HJCYS). Also called: SERPENTINE FIBULA-POLYCYSTIC KIDNEY SYNDROME; Acroosteolysis dominant type; ACROOSTEOLYSIS WITH OSTEOPOROSIS AND CHANGES IN SKULL AND MANDIBLE. Identifiers: Orphanet 955, MedGen C0917715, MONDO:0007057, OMIM 102500.

Allele frequency attached by ClinVar (database versions not stated): gnomAD exomes 0.00001; TOPMed 0.00003; gnomAD 0.00005.
gnomAD v4.1: 10 of 1,614,022 alleles (0.00062%); highest among the groups gnomAD compares: African/African-American, 0.008%; no homozygotes.

Submissions (3):

Labcorp Genetics (formerly Invitae), Labcorp
Classification: Uncertain significance for Hajdu-Cheney syndrome. Last evaluated: 2025-01-31. Review status: criteria provided, single submitter. Criteria: Invitae Variant Classification Sherloc (09022015). Collection method: clinical testing. Allele origin: germline.
Comment: This sequence change replaces lysine, which is basic and polar, with arginine, which is basic and polar, at codon 1514 of the NOTCH2 protein (p.Lys1514Arg). This variant is present in population databases (no rsID available, gnomAD 0.003%). This variant has not been reported in the literature in individuals affected with NOTCH2-related conditions. ClinVar contains an entry for this variant (Variation ID: 3029066). Invitae Evidence Modeling of protein sequence and biophysical properties (such as structural, functional, and spatial information, amino acid conservation, physicochemical variation, residue mobility, and thermodynamic stability) indicates that this missense variant is not expected to disrupt NOTCH2 protein function with a negative predictive value of 80%. In summary, the available evidence is currently insufficient to determine the role of this variant in disease. Therefore, it has been classified as a Variant of Uncertain Significance.

Fulgent Genetics
Classification: Uncertain significance for Hajdu-Cheney syndrome; Alagille syndrome due to a NOTCH2 point mutation. Last evaluated: 2024-04-17. Review status: criteria provided, single submitter. Criteria: ACMG Guidelines, 2015. Collection method: clinical testing. Allele origin: germline.

PreventionGenetics, part of Exact Sciences
Classification: Uncertain significance for NOTCH2-related condition. Last evaluated: 2024-02-20. Review status: no assertion criteria provided. Collection method: clinical testing. Allele origin: germline. Not counted in ClinVar's aggregate classification.
Comment: The NOTCH2 c.4541A>G variant is predicted to result in the amino acid substitution p.Lys1514Arg. To our knowledge, this variant has not been reported in the literature. This variant is reported in 0.0029% of alleles in individuals of Latino descent in gnomAD. At this time, the clinical significance of this variant is uncertain due to the absence of conclusive functional and genetic evidence.

NM_024408.4(NOTCH2):c.4541A>G (p.Lys1514Arg)

Gene: NOTCH2 (notch receptor 2; minus strand). Cytogenetic location: 1p12.
Variant type: single nucleotide variant.
Coding change: c.4541A>G on transcript NM_024408.4 (MANE Select); coding-DNA position 4541, A replaced by G.
Protein change: p.Lys1514Arg; replaces lysine 1514 with arginine.
Molecular consequence: missense variant.
Genome position (GRCh38, 1-based): chr1:119,923,955, T>C on the plus strand (A>G on the coding strand, the complement: NOTCH2 is on the minus strand). VCF-style: chr1-119923955-T-C. GRCh37 (hg19) VCF-style: chr1-120466578-T-C.
Other names: short protein forms K1514R.
Identifiers: ClinVar variation 3029066 (VCV003029066.5), dbSNP rs893877808, ClinGen allele CA30318656.